The following is an entry in ClinVar:

NM_006231.4(POLE):c.418G>T (p.Asp140Tyr)

Gene: POLE (DNA polymerase epsilon, catalytic subunit; minus strand). Cytogenetic location: 12q24.33.
Variant type: single nucleotide variant.
Coding change: c.418G>T on transcript NM_006231.4 (MANE Select); coding-DNA position 418, G replaced by T.
Protein change: p.Asp140Tyr; replaces aspartic acid 140 with tyrosine.
Molecular consequence: missense variant.
Genome position (GRCh38, 1-based): chr12:132,679,959, C>A on the plus strand (G>T on the coding strand, the complement: POLE is on the minus strand). VCF-style: chr12-132679959-C-A. GRCh37 (hg19) VCF-style: chr12-133256545-C-A.
Other names: short protein forms D140Y.
Identifiers: ClinVar variation 3308364 (VCV003308364.1).

ClinVar aggregate classification (germline): Uncertain significance (1 of 4 stars; one submission).

Conditions:
Hereditary cancer-predisposing syndrome. Also called: Tumor predisposition; Hereditary Cancer Syndrome; Hereditary neoplastic syndrome; Neoplastic Syndromes, Hereditary. Identifiers: Orphanet 140162, MedGen C0027672, MeSH D009386, MONDO:0015356.

Submission:

Ambry Genetics
Classification: Uncertain significance for Hereditary cancer-predisposing syndrome. Last evaluated: 2024-03-30. Review status: criteria provided, single submitter. Criteria: Ambry Variant Classification Scheme 2023. Collection method: clinical testing. Allele origin: germline.
Comment: The p.D140Y variant (also known as c.418G>T), located in coding exon 5 of the POLE gene, results from a G to T substitution at nucleotide position 418. The aspartic acid at codon 140 is replaced by tyrosine, an amino acid with highly dissimilar properties. This amino acid position is conserved. In addition, the in silico prediction for this alteration is inconclusive. Based on the available evidence, the clinical significance of this alteration remains unclear.